The following is an entry in ClinVar:

NM_000551.4(VHL):c.416C>G (p.Ser139Cys)

Genes: VHL (von Hippel-Lindau tumor suppressor; plus strand), LOC107303340 (3p25 von Hippel-Lindau tumor suppressor, E3 ubiquitin protein ligase Alu-mediated recombination region; plus strand). Cytogenetic location: 3p25.3.
Variant type: single nucleotide variant.
Coding change: c.416C>G on transcript NM_000551.4 (MANE Select); coding-DNA position 416, C replaced by G.
Protein change: p.Ser139Cys; replaces serine 139 with cysteine.
Molecular consequence: missense variant. On other transcripts: intron variant (2).
Genome position (GRCh38, 1-based): chr3:10,146,589, C>G. VCF-style: chr3-10146589-C-G. GRCh37 (hg19) VCF-style: chr3-10188273-C-G.
Other names: p.S139C:TCT>TGT; c.*18-3198C>G (NM_001354723.2); c.341-3198C>G (NM_198156.3); short protein forms S139C.
Identifiers: ClinVar variation 135956 (VCV000135956.29), dbSNP rs587780732, ClinGen allele CA020349.

ClinVar aggregate classification (germline): Uncertain significance. Review status: criteria provided, multiple submitters, no conflicts (2 of 4 stars). 10 submissions from 10 submitters: Uncertain significance (9). 1 of the submissions does not count toward it. Last evaluated 2026-03-05.

Conditions:
VHL-related disorder. Also called: VHL-related condition.
Chuvash polycythemia. Also called: POLYCYTHEMIA, VHL-DEPENDENT. Identifiers: Orphanet 238557, MedGen C1837915, MONDO:0009892, OMIM 263400.
Von Hippel-Lindau syndrome (VHLS). Also called: VHL syndrome; von Hippel–Lindau syndrome; Von Hippel-Lindau. Identifiers: Orphanet 892, MedGen C0019562, MONDO:0008667, OMIM 193300. Disease mechanism: loss of function.
Hereditary cancer-predisposing syndrome. Also called: Neoplastic Syndromes, Hereditary; Tumor predisposition; Hereditary Cancer Syndrome; Hereditary neoplastic syndrome. Identifiers: Orphanet 140162, MedGen C0027672, MeSH D009386, MONDO:0015356.
Pheochromocytoma. Also called: MAX-Related Hereditary Paraganglioma-Pheochromocytoma Syndrome. Identifiers: Orphanet 29072, MedGen C0031511, MONDO:0008233, OMIM 171300, HP:0002666.
Nonpapillary renal cell carcinoma. Identifiers: Orphanet 422526, MedGen CN074294, MONDO:0007763, OMIM 144700.

Allele frequency attached by ClinVar (database versions not stated): gnomAD 0.00001; TOPMed 0.00004; ExAC 0.00006; gnomAD exomes 0.00008.
gnomAD v4.1: 28 of 1,613,902 alleles (0.0017%); highest among the groups gnomAD compares: Admixed American, 0.047%; no homozygotes.

Submissions (10):

PreventionGenetics, part of Exact Sciences
Classification: Uncertain significance for VHL-related condition. Last evaluated: 2026-03-05. Review status: criteria provided, single submitter. Criteria: ACMG Guidelines, 2015. Collection method: clinical testing. Allele origin: germline.
Comment: The VHL c.416C>G variant is predicted to result in the amino acid substitution p.Ser139Cys. This variant has been reported in the literature in a child with both von Hippel-Lindau disease and familial erythrocytosis type 2 where the patient was compound heterozygous for this variant and a deletion of exon 3 (Núñez-Martínez et al. 2021. PubMed ID: 33938902). This variant is reported in 0.062% of alleles in individuals of Latino descent in gnomAD. This variant is interpreted as uncertain in ClinVar (Variation ID: 135956). At this time, the clinical significance of this variant is uncertain due to the absence of conclusive functional and genetic evidence.

Labcorp Genetics (formerly Invitae), Labcorp
Classification: Uncertain significance for Von Hippel-Lindau syndrome; Chuvash polycythemia. Last evaluated: 2026-01-14. Review status: criteria provided, single submitter. Criteria: Invitae Variant Classification Sherloc (09022015). Collection method: clinical testing. Allele origin: germline.
Comment: This sequence change replaces serine, which is neutral and polar, with cysteine, which is neutral and slightly polar, at codon 139 of the VHL protein (p.Ser139Cys). This variant is present in population databases (rs587780732, gnomAD 0.07%). This variant has not been reported in the literature in individuals affected with VHL-related conditions. ClinVar contains an entry for this variant (Variation ID: 135956). Invitae Evidence Modeling of protein sequence and biophysical properties (such as structural, functional, and spatial information, amino acid conservation, physicochemical variation, residue mobility, and thermodynamic stability) indicates that this missense variant is expected to disrupt VHL protein function with a positive predictive value of 95%. In summary, the available evidence is currently insufficient to determine the role of this variant in disease. Therefore, it has been classified as a Variant of Uncertain Significance.

Ambry Genetics
Classification: Uncertain significance for Hereditary cancer-predisposing syndrome. Last evaluated: 2025-12-22. Review status: criteria provided, single submitter. Criteria: Ambry Variant Classification Scheme 2023. Collection method: clinical testing. Allele origin: germline.
Comment: The p.S139C variant (also known as c.416C>G), located in coding exon 2 of the VHL gene, results from a C to G substitution at nucleotide position 416. The serine at codon 139 is replaced by cysteine, an amino acid with dissimilar properties. Based on data from gnomAD, the frequency for this variant is above the maximum credible frequency for a VHL-causing variant based on internally established thresholds (Karczewski et al. Nature. 2020 May;581(7809):434-443; Whiffin et al. Genet Med. 2017 10;19:1151-1158). This variant has been detected in multiple individuals with no reported features of von Hippel-Lindau syndrome (Ambry internal data). However, this variant was identified in conjunction with a pathogenic VHL deletion in a child with features suggestive of Chuvash polycythemia (N&uacute;&ntilde;ez-Mart&iacute;nez PM et al. Bol Med Hosp Infant Mex, 2021 May). This amino acid position is not well conserved in available vertebrate species. In addition, the in silico prediction for this alteration is inconclusive. Based on the available evidence, the clinical significance of this variant remains unclear.

Color Diagnostics, LLC DBA Color Health
Classification: Uncertain significance for Von Hippel-Lindau syndrome. Last evaluated: 2025-07-11. Review status: criteria provided, single submitter. Criteria: ACMG Guidelines, 2015. Collection method: clinical testing. Allele origin: germline.
Comment: This missense variant replaces serine with cysteine at codon 139 of the VHL protein. Computational prediction suggests that this variant may have deleterious impact on protein structure and function. A functional study reported an intermediate impact of this variant in a haploid cell fitness assay (PMID: 38969834). This variant has been identified in a compound heterozygote individual with VHL disease and Chuvash polycythemia who also carried a large VHL deletion variant (PMID: 33938902) and in an individual with recurrent pheochromocytoma with no additional known pheochromocytoma-related variants (PMCID: PMC6551159). This variant has been identified in 23/282886 chromosomes in the general population by the Genome Aggregation Database (gnomAD). The available evidence is insufficient to determine the role of this variant in disease conclusively. Therefore, this variant is classified as a Variant of Uncertain Significance.

GeneDx
Classification: Uncertain significance. Last evaluated: 2025-02-20. Review status: criteria provided, single submitter. Criteria: GeneDx Variant Classification Process June 2021. Collection method: clinical testing. Allele origin: germline. Affected: yes.
Comment: Observed with a deletion of VHL exon 3 in a child with clinical features of familial erythrocytosis type 2 (PMID: 33938902); In silico analysis indicates that this missense variant does not alter protein structure/function; This variant is associated with the following publications: (PMID: 25078357, Barron2019[abstract], 33938902)

Fulgent Genetics
Classification: Uncertain significance for Nonpapillary renal cell carcinoma; Pheochromocytoma; Von Hippel-Lindau syndrome; Chuvash polycythemia. Last evaluated: 2024-06-21. Review status: criteria provided, single submitter. Criteria: ACMG Guidelines, 2015. Collection method: clinical testing. Allele origin: germline.

All of Us Research Program, National Institutes of Health
Classification: Uncertain significance for Von Hippel-Lindau syndrome. Last evaluated: 2024-06-11. Review status: criteria provided, single submitter. Criteria: ACMG Guidelines, 2015. Collection method: clinical testing. Allele origin: germline. Inheritance: Autosomal dominant inheritance. Observed: 10 variant alleles, 10 heterozygotes.
Comment: This missense variant replaces serine with cysteine at codon 139 of the VHL protein. Computational prediction suggests that this variant may have deleterious impact on protein structure and function (internally defined REVEL score threshold >= 0.7, PMID: 27666373). To our knowledge, functional studies have not been reported for this variant. This variant has not been reported in individuals affected with VHL-related disorders in the literature. This variant has been identified in 23/282886 chromosomes in the general population by the Genome Aggregation Database (gnomAD). The available evidence is insufficient to determine the role of this variant in disease conclusively. Therefore, this variant is classified as a Variant of Uncertain Significance.

This study involves interpretation of variants in research participants for the purpose of population health screening. Participant phenotype was not available at the time of variant classification. Additional details can be found in publication PMID: 35346344, PMCID: PMC8962531

Baylor Genetics
Classification: Uncertain significance for Chuvash polycythemia. Last evaluated: 2023-09-26. Review status: criteria provided, single submitter. Criteria: ACMG Guidelines, 2015. Collection method: clinical testing. Allele origin: unknown.

Sema4
Classification: Uncertain significance for Hereditary cancer-predisposing syndrome. Last evaluated: 2022-01-10. Review status: criteria provided, single submitter. Criteria: Sema4 Curation Guidelines. Collection method: curation. Allele origin: germline.
Comment: The VHL c.416C>G (p.S139C) variant has been reported in heterozygosity in one individual with pheochromocytoma and in compound heterozygosity in one individual with von Hippel-Lindau disease and Chuvash polycythemia (PMID DOI 10.1210/js.2019-MON-376, 33938902). This variant was observed in 22/35440 chromosomes in the Latino population according to the Genome Aggregation Database (PMID: 32461654). The subpopulation frequency of this variant is higher than expected for a pathogenic variant based on disease prevalence and penetrance. This variant has been reported in ClinVar (Variation ID 135956). In silico tools suggest the impact of the variant on protein function is deleterious, though these predictions have not been confirmed by functional studies. The overall evidence is insufficient to meet ACMG/AMP criteria for classifying it as benign or pathogenic. In summary, the clinical significance of this variant is currently uncertain.

Counsyl
Classification: Uncertain significance for Von Hippel-Lindau syndrome. Last evaluated: 2016-04-14. Review status: no assertion criteria provided. Collection method: clinical testing. Allele origin: unknown. Not counted in ClinVar's aggregate classification.

Literature cited by the submitters: PubMed 25078357 (cited by Ambry Genetics); PubMed 33938902 (cited by Ambry Genetics and Color Diagnostics, LLC DBA Color Health); PubMed 38969834 (cited by Color Diagnostics, LLC DBA Color Health).